The following is an entry in ClinVar:

ClinVar aggregate classification (germline): Uncertain significance (1 of 4 stars; one submission).

Conditions:
Primary ciliary dyskinesia. Also called: Ciliary dyskinesia. Identifiers: Orphanet 244, MedGen C0008780, MONDO:0016575, HP:0012265.

Submission:

Labcorp Genetics (formerly Invitae), Labcorp
Classification: Uncertain significance for Primary ciliary dyskinesia. Last evaluated: 2023-07-14. Review status: criteria provided, single submitter. Criteria: Invitae Variant Classification Sherloc (09022015). Collection method: clinical testing. Allele origin: germline.
Comment: In summary, the available evidence is currently insufficient to determine the role of this variant in disease. Therefore, it has been classified as a Variant of Uncertain Significance. Experimental studies and prediction algorithms are not available or were not evaluated, and the functional significance of this variant is currently unknown. This variant has not been reported in the literature in individuals affected with RPGR (ORF15)-related conditions. This variant is not present in population databases (gnomAD no frequency). This variant, c.2694_2720dup, results in the insertion of 9 amino acid(s) of the RPGR (ORF15) protein (p.Glu899_Glu907dup), but otherwise preserves the integrity of the reading frame.

NM_001034853.2(RPGR):c.2667GGAAGGAGAAGGGGAGGGAGAAGAGGA[3] (p.Glu907_Gly908insGluGlyGluGlyGluGlyGluGluGlu)

Gene: RPGR (retinitis pigmentosa GTPase regulator; minus strand). Cytogenetic location: Xp11.4.
Variant type: Microsatellite.
Coding change: c.2667GGAAGGAGAAGGGGAGGGAGAAGAGGA[3] on transcript NM_001034853.2 (MANE Select); three copies in a row of the 27-base unit GGAAGGAGAAGGGGAGGGAGAAGAGGA starting at c.2667; the reference has two copies in a row; one copy, 27 bases duplicated.
Protein change: p.Glu907_Gly908insGluGlyGluGlyGluGlyGluGluGlu.
Molecular consequence: inframe insertion. On other transcripts: intron variant (8).
Genome position (GRCh38, 1-based): chrX:38,286,279-38,286,305, TCCTCTTCTCCCTCCCCTTCTCCTTCC duplicated on the plus strand (GGAAGGAGAAGGGGAGGGAGAAGAGGA on the coding strand, the reverse complement: RPGR is on the minus strand); duplicating any 27 consecutive bases within chrX:38,286,279-38,286,334 gives the same sequence; the position shown is the placement nearest the transcript's 3' end. VCF-style (leftmost placement, unchanged base first): chrX-38286278-T-TTCCTCTTCTCCCTCCCCTTCTCCTTCC. GRCh37 (hg19) VCF-style: chrX-38145531-T-TTCCTCTTCTCCCTCCCCTTCTCCTTCC.
Other names: c.1569+4627GGAAGGAGAAGGGGAGGGAGAAGAGGA[3] (NM_001367249.1, NM_001367250.1); c.1902+762GGAAGGAGAAGGGGAGGGAGAAGAGGA[3] (NM_001367245.1); c.1386+4627GGAAGGAGAAGGGGAGGGAGAAGAGGA[3] (NM_001367251.1); c.1719+762GGAAGGAGAAGGGGAGGGAGAAGAGGA[3] (NM_001367246.1); c.1572+4627GGAAGGAGAAGGGGAGGGAGAAGAGGA[3] (NM_001367247.1); c.1905+762GGAAGGAGAAGGGGAGGGAGAAGAGGA[3] (NM_000328.3); c.1602+4627GGAAGGAGAAGGGGAGGGAGAAGAGGA[3] (NM_001367248.1).
Identifiers: ClinVar variation 3020676 (VCV003020676.3), dbSNP rs781514081, ClinGen allele CA2693439051.